The following is an entry in ClinVar:

ClinVar aggregate classification (germline): Uncertain significance (1 of 4 stars; one submission).

Submission:

Labcorp Genetics (formerly Invitae), Labcorp
Classification: Uncertain significance. Last evaluated: 2021-07-31. Review status: criteria provided, single submitter. Criteria: Invitae Variant Classification Sherloc (09022015). Collection method: clinical testing. Allele origin: germline.
Comment: This sequence change replaces arginine with serine at codon 1886 of the ASPM protein (p.Arg1886Ser). The arginine residue is highly conserved and there is a moderate physicochemical difference between arginine and serine. This variant is not present in population databases (ExAC no frequency). This variant has not been reported in the literature in individuals affected with ASPM-related conditions. Algorithms developed to predict the effect of missense changes on protein structure and function (SIFT, PolyPhen-2, Align-GVGD) all suggest that this variant is likely to be disruptive. In summary, the available evidence is currently insufficient to determine the role of this variant in disease. Therefore, it has been classified as a Variant of Uncertain Significance. Algorithms developed to predict the effect of sequence changes on RNA splicing suggest that this variant may create or strengthen a splice site.

NM_018136.5(ASPM):c.5656C>A (p.Arg1886Ser)

Gene: ASPM (assembly factor for spindle microtubules; minus strand). Cytogenetic location: 1q31.3.
Variant type: single nucleotide variant.
Coding change: c.5656C>A on transcript NM_018136.5 (MANE Select); coding-DNA position 5656, C replaced by A.
Protein change: p.Arg1886Ser; replaces arginine 1886 with serine.
Molecular consequence: missense variant. On other transcripts: intron variant (1).
Genome position (GRCh38, 1-based): chr1:197,103,595, G>T on the plus strand (C>A on the coding strand, the complement: ASPM is on the minus strand). VCF-style: chr1-197103595-G-T. GRCh37 (hg19) VCF-style: chr1-197072725-G-T.
Other names: c.4066-7431C>A (NM_001206846.2); short protein forms R1886S.
Identifiers: ClinVar variation 1509087 (VCV001509087.6), dbSNP rs781257567, ClinGen allele CA344024956.